The following is an entry in ClinVar:

NM_000264.5(PTCH1):c.187G>A (p.Glu63Lys)

Gene: PTCH1 (patched 1; minus strand). Cytogenetic location: 9q22.32.
Variant type: single nucleotide variant.
Coding change: c.187G>A on transcript NM_000264.5 (MANE Select); coding-DNA position 187, G replaced by A.
Protein change: p.Glu63Lys; replaces glutamic acid 63 with lysine.
Molecular consequence: missense variant. On other transcripts: non-coding transcript variant (1), intron variant (3).
Genome position (GRCh38, 1-based): chr9:95,508,175, C>T on the plus strand (G>A on the coding strand, the complement: PTCH1 is on the minus strand). VCF-style: chr9-95508175-C-T. GRCh37 (hg19) VCF-style: chr9-98270457-C-T.
Other names: c.187G>A, p.Glu63Lys (NM_001354918.2); c.199-1576G>A (NM_001083603.3); c.4-1576G>A (NM_001083602.3, NM_001354919.2); c.187G>A (NM_000264.3); short protein forms E63K.
Identifiers: ClinVar variation 1063482 (VCV001063482.10), dbSNP rs781768965, ClinGen allele CA374121270.

ClinVar aggregate classification (germline): Uncertain significance. Review status: criteria provided, multiple submitters, no conflicts (2 of 4 stars). 2 submissions from 2 submitters: Uncertain significance (2). Last evaluated 2024-06-06.

Conditions:
Gorlin syndrome. Also called: Basal cell nevus syndrome; Nevoid Basal Cell Carcinoma Syndrome. Identifiers: Orphanet 377, MedGen C0004779, MONDO:0007187.
Hereditary cancer-predisposing syndrome. Also called: Tumor predisposition; Neoplastic Syndromes, Hereditary; Hereditary Cancer Syndrome; Hereditary neoplastic syndrome. Identifiers: Orphanet 140162, MedGen C0027672, MeSH D009386, MONDO:0015356.

Submissions (2):

Ambry Genetics
Classification: Uncertain significance for Hereditary cancer-predisposing syndrome. Last evaluated: 2024-06-06. Review status: criteria provided, single submitter. Criteria: Ambry Variant Classification Scheme 2023. Collection method: clinical testing. Allele origin: germline.
Comment: The p.E63K variant (also known as c.187G>A), located in coding exon 1 of the PTCH1 gene, results from a G to A substitution at nucleotide position 187. The glutamic acid at codon 63 is replaced by lysine, an amino acid with similar properties. This amino acid position is well conserved in available vertebrate species. In addition, the in silico prediction for this alteration is inconclusive. Based on the available evidence, the clinical significance of this variant remains unclear.

Labcorp Genetics (formerly Invitae), Labcorp
Classification: Uncertain significance for Gorlin syndrome. Last evaluated: 2020-08-11. Review status: criteria provided, single submitter. Criteria: Invitae Variant Classification Sherloc (09022015). Collection method: clinical testing. Allele origin: germline.
Comment: Advanced modeling of protein sequence and biophysical properties (such as structural, functional, and spatial information, amino acid conservation, physicochemical variation, residue mobility, and thermodynamic stability) performed at Invitae indicates that this missense variant is not expected to disrupt PTCH1 protein function. This variant has not been reported in the literature in individuals with PTCH1-related conditions. This variant is not present in population databases (ExAC no frequency). This sequence change replaces glutamic acid with lysine at codon 63 of the PTCH1 protein (p.Glu63Lys). The glutamic acid residue is weakly conserved and there is a small physicochemical difference between glutamic acid and lysine. In summary, the available evidence is currently insufficient to determine the role of this variant in disease. Therefore, it has been classified as a Variant of Uncertain Significance.